The following is an entry in ClinVar:

NM_003000.3(SDHB):c.802A>T (p.Lys268Ter)

Gene: SDHB (succinate dehydrogenase complex iron sulfur subunit B; minus strand). Cytogenetic location: 1p36.13.
Variant type: single nucleotide variant.
Coding change: c.802A>T on transcript NM_003000.3 (MANE Select); coding-DNA position 802, A replaced by T.
Protein change: p.Lys268Ter; replaces lysine 268 with a stop codon.
Molecular consequence: nonsense.
Genome position (GRCh38, 1-based): chr1:17,018,922, T>A on the plus strand (A>T on the coding strand, the complement: SDHB is on the minus strand). VCF-style: chr1-17018922-T-A. GRCh37 (hg19) VCF-style: chr1-17345417-T-A.
Other names: short protein forms K268*.
Identifiers: ClinVar variation 412460 (VCV000412460.6), dbSNP rs1060503755, ClinGen allele CA16609907.

ClinVar aggregate classification (germline): Uncertain significance (1 of 4 stars; one submission).

Conditions:
Pheochromocytoma/paraganglioma syndrome 4. Also called: PARAGANGLIOMA, FAMILIAL MALIGNANT; PARAGANGLIOMAS, HEREDITARY EXTRAADRENAL; PHEOCHROMOCYTOMA, FAMILIAL EXTRAADRENAL; Paragangliomas 4; CAROTID BODY TUMORS AND MULTIPLE EXTRAADRENAL PHEOCHROMOCYTOMAS; SDHB-Related Hereditary Paraganglioma-Pheochromocytoma Syndrome (Paragangliomas 4). Identifiers: Orphanet 29072, MedGen C1861848, MONDO:0007273, OMIM 115310.
Gastrointestinal stromal tumor. Also called: Gastrointestinal stroma tumor; Gastrointestinal stromal tumor, somatic. Identifiers: Orphanet 44890, MedGen C0238198, MeSH D046152, MONDO:0011719, OMIM 606764, HP:0100723.
Pheochromocytoma. Also called: MAX-Related Hereditary Paraganglioma-Pheochromocytoma Syndrome. Identifiers: Orphanet 29072, MedGen C0031511, MONDO:0008233, OMIM 171300, HP:0002666.

Submission:

Labcorp Genetics (formerly Invitae), Labcorp
Classification: Uncertain significance for Gastrointestinal stromal tumor; Pheochromocytoma/paraganglioma syndrome 4; Pheochromocytoma. Last evaluated: 2018-10-19. Review status: criteria provided, single submitter. Criteria: Invitae Variant Classification Sherloc (09022015). Collection method: clinical testing. Allele origin: germline.
Comment: In summary, the available evidence is currently insufficient to determine the role of this variant in disease. Therefore, it has been classified as a Variant of Uncertain Significance. Experimental studies and prediction algorithms are not available for this variant, and the functional significance of the affected amino acid(s) is currently unknown. This variant has not been reported in the literature in individuals with SDHB-related disease. ClinVar contains an entry for this variant (Variation ID:¬¨‚Ä†412460). This variant is not present in population databases (ExAC no frequency). This sequence change results in a premature translational stop signal in the SDHB gene (p.Lys268*). While this is not anticipated to result in nonsense mediated decay, it is expected to disrupt the last 13 amino acids of the SDHB protein.